The following is an entry in ClinVar:

ClinVar aggregate classification (germline): Uncertain significance (1 of 4 stars; one submission).

Allele frequency attached by ClinVar (database versions not stated): gnomAD exomes below 0.00001.
gnomAD v4.1: 2 of 1,609,730 alleles (0.00012%); highest among the groups gnomAD compares: Non-Finnish European, 0.000085%; no homozygotes.

Submission:

Labcorp Genetics (formerly Invitae), Labcorp
Classification: Uncertain significance. Last evaluated: 2022-09-07. Review status: criteria provided, single submitter. Criteria: Invitae Variant Classification Sherloc (09022015). Collection method: clinical testing. Allele origin: germline.
Comment: This sequence change replaces serine, which is neutral and polar, with asparagine, which is neutral and polar, at codon 1587 of the PCLO protein (p.Ser1587Asn). This variant is not present in population databases (gnomAD no frequency). This variant has not been reported in the literature in individuals affected with PCLO-related conditions. Algorithms developed to predict the effect of missense changes on protein structure and function are either unavailable or do not agree on the potential impact of this missense change (SIFT: "Tolerated"; PolyPhen-2: "Not Available"; Align-GVGD: "Class C0"). In summary, the available evidence is currently insufficient to determine the role of this variant in disease. Therefore, it has been classified as a Variant of Uncertain Significance.

NM_033026.6(PCLO):c.4760G>A (p.Ser1587Asn)

Gene: PCLO (piccolo presynaptic cytomatrix protein; minus strand). Cytogenetic location: 7q21.11.
Variant type: single nucleotide variant.
Coding change: c.4760G>A on transcript NM_033026.6 (MANE Select); coding-DNA position 4760, G replaced by A.
Protein change: p.Ser1587Asn; replaces serine 1587 with asparagine.
Molecular consequence: missense variant.
Genome position (GRCh38, 1-based): chr7:82,956,193, C>T on the plus strand (G>A on the coding strand, the complement: PCLO is on the minus strand). VCF-style: chr7-82956193-C-T. GRCh37 (hg19) VCF-style: chr7-82585509-C-T.
Other names: c.4760G>A, p.Ser1587Asn (NM_014510.3); short protein forms S1587N.
Identifiers: ClinVar variation 1909560 (VCV001909560.2), dbSNP rs2535710320, ClinGen allele CA367926040.